The following is an entry in ClinVar:

ClinVar aggregate classification (germline): Uncertain significance. Review status: criteria provided, multiple submitters, no conflicts (2 of 4 stars). 2 submissions from 2 submitters: Uncertain significance (2). Last evaluated 2025-08-22.

Conditions:
Hereditary cancer-predisposing syndrome. Also called: Tumor predisposition; Hereditary neoplastic syndrome; Neoplastic Syndromes, Hereditary; Hereditary Cancer Syndrome. Identifiers: Orphanet 140162, MedGen C0027672, MeSH D009386, MONDO:0015356.
Juvenile polyposis syndrome (JPS). Identifiers: Orphanet 2929, MedGen C0345893, MONDO:0017380, OMIM 174900.

Allele frequency attached by ClinVar (database versions not stated): gnomAD exomes below 0.00001.
gnomAD v4.1: 1 of 1,614,104 alleles (0.000062%); highest among the groups gnomAD compares: Non-Finnish European, 0.000085%; no homozygotes.

Submissions (2):

Ambry Genetics
Classification: Uncertain significance for Hereditary cancer-predisposing syndrome. Last evaluated: 2025-08-22. Review status: criteria provided, single submitter. Criteria: Ambry Variant Classification Scheme 2023. Collection method: clinical testing. Allele origin: germline.
Comment: The p.T55I variant (also known as c.164C>T), located in coding exon 2 of the BMPR1A gene, results from a C to T substitution at nucleotide position 164. The threonine at codon 55 is replaced by isoleucine, an amino acid with similar properties. This amino acid position is well conserved in available vertebrate species. In addition, the in silico prediction for this alteration is inconclusive. Based on the available evidence, the clinical significance of this variant remains unclear.

Labcorp Genetics (formerly Invitae), Labcorp
Classification: Uncertain significance for Juvenile polyposis syndrome. Last evaluated: 2023-07-13. Review status: criteria provided, single submitter. Criteria: Invitae Variant Classification Sherloc (09022015). Collection method: clinical testing. Allele origin: germline.
Comment: In summary, the available evidence is currently insufficient to determine the role of this variant in disease. Therefore, it has been classified as a Variant of Uncertain Significance. Experimental studies have shown that this missense change affects BMPR1A function (PMID: 18160401). Advanced modeling performed at Invitae incorporating data from internal and/or published experimental studies (Invitae) indicates that this missense variant is not expected to disrupt BMPR1A function. ClinVar contains an entry for this variant (Variation ID: 937976). This variant has not been reported in the literature in individuals affected with BMPR1A-related conditions. This variant is not present in population databases (gnomAD no frequency). This sequence change replaces threonine, which is neutral and polar, with isoleucine, which is neutral and non-polar, at codon 55 of the BMPR1A protein (p.Thr55Ile).

Literature cited by the submitters: PubMed 18160401 (cited by Labcorp Genetics (formerly Invitae), Labcorp).

NM_004329.3(BMPR1A):c.164C>T (p.Thr55Ile)

Gene: BMPR1A (bone morphogenetic protein receptor type 1A; plus strand). Cytogenetic location: 10q23.2.
Variant type: single nucleotide variant.
Coding change: c.164C>T on transcript NM_004329.3 (MANE Select); coding-DNA position 164, C replaced by T.
Protein change: p.Thr55Ile; replaces threonine 55 with isoleucine.
Molecular consequence: missense variant.
Genome position (GRCh38, 1-based): chr10:86,890,158, C>T. VCF-style: chr10-86890158-C-T. GRCh37 (hg19) VCF-style: chr10-88649915-C-T.
Other names: short protein forms T55I.
Identifiers: ClinVar variation 937976 (VCV000937976.9), dbSNP rs1843126856, ClinGen allele CA377446790.
Genomic context (GRCh38, chr10:86,890,158, plus strand): 5'-TGAAATCAGACTCCGACCAGAAAAAGTCAGAAAATGGAGTAACCTTAGCACCAGAGGATA[C>T]CTTGCCTTTTTTAAAGTGCTATTGCTCAGGGCACTGTCCAGATGATGCTATTAATAACAC-3'
Protein context (NP_004320.2, residues 45-65): ENGVTLAPED[Thr55Ile]LPFLKCYCSG